The following is an entry in ClinVar:

ClinVar aggregate classification (germline): Uncertain significance (1 of 4 stars; one submission).

Allele frequency attached by ClinVar (database versions not stated): gnomAD exomes below 0.00001; gnomAD 0.00001.
gnomAD v4.1: 3 of 1,614,012 alleles (0.00019%); highest among the groups gnomAD compares: South Asian, 0.0011%; no homozygotes.

Submission:

Labcorp Genetics (formerly Invitae), Labcorp
Classification: Uncertain significance. Last evaluated: 2024-03-14. Review status: criteria provided, single submitter. Criteria: Invitae Variant Classification Sherloc (09022015). Collection method: clinical testing. Allele origin: germline.
Comment: This sequence change replaces arginine, which is basic and polar, with glutamine, which is neutral and polar, at codon 65 of the GORAB protein (p.Arg65Gln). This variant is present in population databases (no rsID available, gnomAD 0.0009%). This variant has not been reported in the literature in individuals affected with GORAB-related conditions. ClinVar contains an entry for this variant (Variation ID: 1060321). An algorithm developed to predict the effect of missense changes on protein structure and function (PolyPhen-2) suggests that this variant is likely to be disruptive. In summary, the available evidence is currently insufficient to determine the role of this variant in disease. Therefore, it has been classified as a Variant of Uncertain Significance.

NM_152281.3(GORAB):c.119G>A (p.Arg40Gln)

Gene: GORAB (golgin, RAB6 interacting; plus strand). Cytogenetic location: 1q24.2.
Variant type: single nucleotide variant.
Coding change: c.119G>A on transcript NM_152281.3 (MANE Select); coding-DNA position 119, G replaced by A.
Protein change: p.Arg40Gln; replaces arginine 40 with glutamine.
Molecular consequence: missense variant. On other transcripts: 5 prime UTR variant (1), non-coding transcript variant (1).
Genome position (GRCh38, 1-based): chr1:170,539,267, G>A. VCF-style: chr1-170539267-G-A. GRCh37 (hg19) VCF-style: chr1-170508408-G-A.
Other names: c.119G>A, p.Arg40Gln (NM_001146039.2); c.-347G>A (NM_001320252.2); short protein forms R40Q.
Identifiers: ClinVar variation 1060321 (VCV001060321.4), dbSNP rs1158312468, ClinGen allele CA343161887.
Genomic context (GRCh38, chr1:170,539,267, plus strand): 5'-TAGATCCATTTGAACCACAGCGACGTCTCCCCGCGAAGAAAAGTCGACAACAACTTCAGC[G>A]AGAAAAAGCCCTTGTAGAGCAAAGCCAAAAACTTGGGCTTCAAGATGGATCAACCTCATT-3'
Protein context (NP_689494.3, residues 30-50): PAKKSRQQLQ[Arg40Gln]EKALVEQSQK